The following is an entry in ClinVar:

NM_001367823.1(ARHGEF18):c.3575C>T (p.Ala1192Val)

Gene: ARHGEF18 (Rho/Rac guanine nucleotide exchange factor 18; plus strand). Cytogenetic location: 19p13.2.
Variant type: single nucleotide variant.
Coding change: c.3575C>T on transcript NM_001367823.1 (MANE Select); coding-DNA position 3575, C replaced by T.
Protein change: p.Ala1192Val; replaces alanine 1192 with valine.
Molecular consequence: missense variant.
Genome position (GRCh38, 1-based): chr19:7,468,919, C>T. VCF-style: chr19-7468919-C-T. GRCh37 (hg19) VCF-style: chr19-7533805-C-T.
Other names: c.2849C>T, p.Ala950Val (NM_001130955.2); c.2537C>T, p.Ala846Val (NM_001367824.1, NM_015318.4); short protein forms A1192V, A846V, A950V.
Identifiers: ClinVar variation 1056517 (VCV001056517.6), dbSNP rs1460729165, ClinGen allele CA403092521.
Genomic context (GRCh38, chr19:7,468,919, plus strand): 5'-GGGAAGGGCTGGAGGGCCCTCGTGTGAGCATGCTGCCATCCGGCGTGGGGCCAGAGTACG[C>T]AGAGCGCCCCGAGGTGGCTCGCCGGGACAGCGCCCCCACCGAGAACCGGCTGGCCAAGAG-3'
Protein context (NP_001354752.1, residues 1182-1202): MLPSGVGPEY[Ala1192Val]ERPEVARRDS

ClinVar aggregate classification (germline): Uncertain significance (1 of 4 stars; one submission).

Allele frequency attached by ClinVar (database versions not stated): gnomAD exomes 0.00001.

Submission:

Labcorp Genetics (formerly Invitae), Labcorp
Classification: Uncertain significance. Last evaluated: 2021-09-01. Review status: criteria provided, single submitter. Criteria: Invitae Variant Classification Sherloc (09022015). Collection method: clinical testing. Allele origin: germline.
Comment: This sequence change replaces alanine with valine at codon 1004 of the ARHGEF18 protein (p.Ala1004Val). The alanine residue is weakly conserved and there is a small physicochemical difference between alanine and valine. This variant is not present in population databases (ExAC no frequency). This variant has not been reported in the literature in individuals affected with ARHGEF18-related conditions. Algorithms developed to predict the effect of missense changes on protein structure and function output the following: SIFT: "Tolerated"; PolyPhen-2: "Benign"; Align-GVGD: "Class C0". The valine amino acid residue is found in multiple mammalian species, which suggests that this missense change does not adversely affect protein function. In summary, the available evidence is currently insufficient to determine the role of this variant in disease. Therefore, it has been classified as a Variant of Uncertain Significance.